The following is an entry in ClinVar:

NM_001365276.2(TNXB):c.4100C>T (p.Pro1367Leu)

Gene: TNXB (tenascin XB; minus strand). Cytogenetic location: 6p21.33.
Variant type: single nucleotide variant.
Coding change: c.4100C>T on transcript NM_001365276.2 (MANE Select); coding-DNA position 4100, C replaced by T.
Protein change: p.Pro1367Leu; replaces proline 1367 with leucine.
Molecular consequence: missense variant.
Genome position (GRCh38, 1-based): chr6:32,079,308, G>A on the plus strand (C>T on the coding strand, the complement: TNXB is on the minus strand). VCF-style: chr6-32079308-G-A. GRCh37 (hg19) VCF-style: chr6-32047085-G-A.
Other names: c.4100C>T, p.Pro1367Leu (NM_019105.8); short protein forms P1367L.
Identifiers: ClinVar variation 1737856 (VCV001737856.5), dbSNP rs752709537, ClinGen allele CA3735029.

ClinVar aggregate classification (germline): Uncertain significance. Review status: criteria provided, multiple submitters, no conflicts (2 of 4 stars). 2 submissions from 2 submitters: Uncertain significance (2). Last evaluated 2026-01-09.

Conditions:
Cardiovascular phenotype. Identifiers: MedGen CN230736.

Allele frequency attached by ClinVar (database versions not stated): ExAC 0.00001; gnomAD exomes 0.00003.
gnomAD v4.1: 43 of 1,612,588 alleles (0.0027%); highest among the groups gnomAD compares: Admixed American, 0.005%; no homozygotes.

Submissions (2):

Women's Health and Genetics/Laboratory Corporation of America, LabCorp
Classification: Uncertain significance. Last evaluated: 2026-01-09. Review status: criteria provided, single submitter. Criteria: LabCorp Variant Classification Summary - May 2015. Collection method: clinical testing. Allele origin: germline.
Comment: Variant summary: TNXB c.4100C>T (p.Pro1367Leu) results in a non-conservative amino acid change in the encoded protein sequence. Algorithms developed to predict the effect of missense changes on protein structure and function are either unavailable or do not agree on the potential impact of this missense change. The variant allele was found at a frequency of 4.1e-06 in 243562 control chromosomes. The available data on variant occurrences in the general population are insufficient to allow any conclusion about variant significance. To our knowledge, no occurrence of c.4100C>T in individuals affected with TNXB-related conditions and no experimental evidence demonstrating its impact on protein function have been reported. The following publication has been ascertained in the context of this evaluation (PMID: 33737726).ClinVar contains an entry for this variant (Variation ID: 1737856). Based on the evidence outlined above, the variant was classified as uncertain significance.

Ambry Genetics
Classification: Uncertain significance for Cardiovascular phenotype. Last evaluated: 2025-04-02. Review status: criteria provided, single submitter. Criteria: Ambry Variant Classification Scheme 2023. Collection method: clinical testing. Allele origin: germline.

Literature cited by the submitters: PubMed 33737726 (cited by Women's Health and Genetics/Laboratory Corporation of America, LabCorp).